The following is an entry in ClinVar:

ClinVar aggregate classification (germline): Uncertain significance (1 of 4 stars; one submission).

Submission:

CeGaT Center for Human Genetics Tuebingen
Classification: Uncertain significance. Last evaluated: 2024-11-01. Review status: criteria provided, single submitter. Criteria: CeGaT Center For Human Genetics Tuebingen Variant Classification Criteria Version 2. Collection method: clinical testing. Allele origin: germline. Affected: yes. Observed: 1 variant allele.
Comment: VANGL2: PM2

NM_020335.3(VANGL2):c.1134G>C (p.Gln378His)

Gene: VANGL2 (VANGL planar cell polarity protein 2; plus strand). Cytogenetic location: 1q23.2.
Variant type: single nucleotide variant.
Coding change: c.1134G>C on transcript NM_020335.3 (MANE Select); coding-DNA position 1134, G replaced by C.
Protein change: p.Gln378His; replaces glutamine 378 with histidine.
Molecular consequence: missense variant.
Genome position (GRCh38, 1-based): chr1:160,424,112, G>C. VCF-style: chr1-160424112-G-C. GRCh37 (hg19) VCF-style: chr1-160393902-G-C.
Other names: short protein forms Q378H.
Identifiers: ClinVar variation 3390245 (VCV003390245.14).